The following is an entry in ClinVar:

ClinVar aggregate classification (germline): Uncertain significance (1 of 4 stars; one submission).

gnomAD v4.1: 3 of 1,592,244 alleles (0.00019%); highest among the groups gnomAD compares: East Asian, 0.0023%; no homozygotes.

Submission:

Dasa
Classification: Uncertain significance. Last evaluated: 2025-01-22. Review status: criteria provided, single submitter. Criteria: DASA Assertion Criteria. Collection method: clinical testing. Allele origin: germline.
Comment: NM_001005498.4(RHBDF2):c.2269G>A (p.Ala757Thr) is a missense variant that results in the substitution of alanine with threonine. This variant is rare in population databases. Computational prediction algorithms are consistent with a benign effect. The currently available literature and clinical evidence are not sufficient to establish a definitive association between this variant and the reported condition. Therefore, this variant is classified as a variant of uncertain significance.

NM_001005498.4(RHBDF2):c.2269G>A (p.Ala757Thr)

Gene: RHBDF2 (rhomboid 5 homolog 2; minus strand). Cytogenetic location: 17q25.1.
Variant type: single nucleotide variant.
Coding change: c.2269G>A on transcript NM_001005498.4 (MANE Select); coding-DNA position 2269, G replaced by A.
Protein change: p.Ala757Thr; replaces alanine 757 with threonine.
Molecular consequence: missense variant. On other transcripts: non-coding transcript variant (3).
Genome position (GRCh38, 1-based): chr17:76,471,848, C>T on the plus strand (G>A on the coding strand, the complement: RHBDF2 is on the minus strand). VCF-style: chr17-76471848-C-T. GRCh37 (hg19) VCF-style: chr17-74467930-C-T.
Other names: c.2269G>A, p.Ala757Thr (NM_001376228.1, NM_001376229.1, NM_001376230.1); c.2356G>A, p.Ala786Thr (NM_024599.5); short protein forms A757T, A786T.
Identifiers: ClinVar variation 5021011 (VCV005021011.1).